The following is an entry in ClinVar:

NM_006005.3(WFS1):c.2452C>T (p.Arg818Cys)

Gene: WFS1 (wolframin ER transmembrane glycoprotein; plus strand). Cytogenetic location: 4p16.1.
Variant type: single nucleotide variant.
Coding change: c.2452C>T on transcript NM_006005.3 (MANE Select); coding-DNA position 2452, C replaced by T.
Protein change: p.Arg818Cys; replaces arginine 818 with cysteine.
Molecular consequence: missense variant.
Genome position (GRCh38, 1-based): chr4:6,302,247, C>T. VCF-style: chr4-6302247-C-T. GRCh37 (hg19) VCF-style: chr4-6303974-C-T.
Other names: p.R818C:CGC>TGC; c.2452C>T, p.Arg818Cys (NM_001145853.1); short protein forms R818C.
Identifiers: ClinVar variation 130748 (VCV000130748.85), dbSNP rs35932623, ClinGen allele CA289140.

ClinVar aggregate classification (germline): Conflicting classifications of pathogenicity. Review status: criteria provided, conflicting classifications (1 of 4 stars). 17 submissions from 16 submitters: Uncertain significance (1); Benign (6); Likely benign (7). 3 of the submissions do not count toward it. Last evaluated 2026-09-01.

Conditions:
Monogenic diabetes. Identifiers: Orphanet 183625, MedGen C3888631, MONDO:0015967.
WFS1-Related Spectrum Disorders.
Autosomal dominant nonsyndromic hearing loss 6 (LFSNHL). Also called: Autosomal dominant nonsyndromic deafness 6; DEAFNESS, AUTOSOMAL DOMINANT 14; DEAFNESS, AUTOSOMAL DOMINANT 38; DEAFNESS, AUTOSOMAL DOMINANT 6. Identifiers: Orphanet 90635, MedGen C1833021, MONDO:0010963, OMIM 600965.
Wolfram syndrome 1 (WFS1). Identifiers: Orphanet 3463, MedGen C4551693, MONDO:0009101, OMIM 222300.

Allele frequency attached by ClinVar (database versions not stated): 1000 Genomes Project 0.00379; gnomAD 0.00390 and 0.00409; TOPMed 0.00404; 1000 Genomes Project 30x 0.00406; ESP Exome Variant Server 0.00477; ExAC 0.00485; gnomAD exomes 0.00502 and 0.00514.
gnomAD v4.1: 8,135 of 1,605,064 alleles (0.51%); highest among the groups gnomAD compares: Middle Eastern, 1.1%; 35 homozygotes.

Submissions (17):

CeGaT Center for Human Genetics Tuebingen
Classification: Benign. Last evaluated: 2026-09-01. Review status: criteria provided, single submitter. Criteria: CeGaT Center For Human Genetics Tuebingen Variant Classification Criteria Version 2. Collection method: clinical testing. Allele origin: germline. Affected: yes. Observed: 35 variant alleles.
Comment: WFS1: BS1, BS2

Labcorp Genetics (formerly Invitae), Labcorp
Classification: Benign. Last evaluated: 2026-02-01. Review status: criteria provided, single submitter. Criteria: Invitae Variant Classification Sherloc (09022015). Collection method: clinical testing. Allele origin: germline.

ARUP Laboratories, Molecular Genetics and Genomics, ARUP Laboratories
Classification: Likely benign. Last evaluated: 2025-06-16. Review status: criteria provided, single submitter. Criteria: ARUP Molecular Germline Variant Investigation Process 2024. Collection method: clinical testing. Allele origin: germline.

Mayo Clinic Laboratories, Mayo Clinic
Classification: Likely benign. Last evaluated: 2025-05-14. Review status: criteria provided, single submitter. Criteria: ACMG Guidelines, 2015. Collection method: clinical testing. Allele origin: germline. Observed: 12 variant alleles.
Comment: BA1, BS2, PP3

Blueprint Genetics
Classification: Likely benign. Last evaluated: 2024-11-25. Review status: criteria provided, single submitter. Criteria: ACMG Guidelines, 2015. Collection method: clinical testing. Allele origin: germline.

Mendelics
Classification: Benign for Wolfram syndrome 1. Last evaluated: 2019-05-28. Review status: criteria provided, single submitter. Criteria: Mendelics Assertion Criteria 2017. Collection method: clinical testing. Allele origin: unknown.

GeneDx
Classification: Benign. Last evaluated: 2019-02-01. Review status: criteria provided, single submitter. Criteria: GeneDx Variant Classification Process June 2021. Collection method: clinical testing. Allele origin: germline. Affected: yes.
Comment: Incidentally identified in the diabetic father of a proband with Wolfram syndrome, though the proband had not inherited this variant (Smith et al., 2004).; Identified in the heterozygous state in another individual who was also homozygous for an in-frame insertion of three amino acids in the WFS1 gene (Smith et al., 2004).; Reported on both WFS1 alleles in an individual with Wolfram syndrome (Domenech et al., 2004); In silico analysis supports that this missense variant has a deleterious effect on protein structure/function; This variant is associated with the following publications: (PMID: 27151922, 11161832, 11317350, 23595122, 12605098, 23429432, 15277431, 27013921, 11244483, 28432734, 15151504, 29511501, 30245029, 29563951, 31638168)

Illumina Laboratory Services, Illumina
Classification: Likely benign for WFS1-Related Spectrum Disorders. Last evaluated: 2017-04-27. Review status: criteria provided, single submitter. Criteria: ICSL Variant Classification Criteria 13 December 2019. Collection method: clinical testing. Allele origin: germline.
Comment: This variant was observed as part of a predisposition screen in an ostensibly healthy population. A literature search was performed for the gene, cDNA change, and amino acid change (where applicable). Publications were found based on this search. The evidence from the literature, in combination with allele frequency data from public databases where available, was sufficient to determine this variant is unlikely to cause disease. Therefore, this variant is classified as likely benign.

Illumina Laboratory Services, Illumina
Classification: Likely benign for Autosomal dominant nonsyndromic hearing loss 6. Last evaluated: 2017-04-27. Review status: criteria provided, single submitter. Criteria: ICSL Variant Classification Criteria 13 December 2019. Collection method: clinical testing. Allele origin: germline.
Comment: the same text as in the submission from Illumina Laboratory Services, Illumina above.

Eurofins Ntd Llc (ga)
Classification: Likely benign. Last evaluated: 2015-12-21. Review status: criteria provided, single submitter. Criteria: EGL Classification Definitions 2015. Collection method: clinical testing. Allele origin: germline. Observed: 3 variant alleles, 3 heterozygotes.

Personalized Diabetes Medicine Program, University of Maryland School of Medicine
Classification: Uncertain significance for Monogenic diabetes. Last evaluated: 2015-07-31. Review status: criteria provided, single submitter. Criteria: ACMG Guidelines, 2015. Collection method: research. Allele origin: unknown. Observed: 1 variant allele, 1 heterozygote.
Comment: ACMG Criteria: PP3, PP5 (PMID:21446023), BS2, BP6

Laboratory for Molecular Medicine, Mass General Brigham Personalized Medicine
Classification: Benign. Last evaluated: 2015-04-16. Review status: criteria provided, single submitter. Criteria: LMM Criteria. Collection method: clinical testing. Allele origin: germline. Observed: 13 variant alleles.
Comment: p.Arg818Cys in exon 8 of WFS1: This variant is not expected to have clinical sig nificance because it has been identified in 0.8% (129/15874) of South Asian chro mosomes including 1 homozygote by the Exome Aggregation Consortium (ExAC; dbSNP rs35932623).

Genetic Services Laboratory, University of Chicago
Classification: Benign for AllHighlyPenetrant. Last evaluated: 2013-03-27. Review status: criteria provided, single submitter. Criteria: ACMG Guidelines, 2007. Collection method: clinical testing. Allele origin: germline. Inheritance: Autosomal recessive inheritance.

PreventionGenetics, part of Exact Sciences
Classification: Likely benign. Review status: criteria provided, single submitter. Criteria: ACMG Guidelines, 2015. Collection method: clinical testing. Allele origin: germline.

Clinical Genetics, Academic Medical Center
Classification: Likely benign. Review status: no assertion criteria provided. Collection method: clinical testing. Allele origin: germline. Affected: yes. Study: VKGL Data-share Consensus. Not counted in ClinVar's aggregate classification.

Diagnostic Laboratory, Department of Genetics, University Medical Center Groningen
Classification: Likely benign. Review status: no assertion criteria provided. Collection method: clinical testing. Allele origin: germline. Affected: yes. Study: VKGL Data-share Consensus. Not counted in ClinVar's aggregate classification.

Laboratory of Diagnostic Genome Analysis, Leiden University Medical Center (LUMC)
Classification: Likely benign. Review status: no assertion criteria provided. Collection method: clinical testing. Allele origin: germline. Affected: yes. Study: VKGL Data-share Consensus. Not counted in ClinVar's aggregate classification.

Literature cited by the submitters: PubMed 35452662 (cited by Mayo Clinic Laboratories, Mayo Clinic); PubMed 11317350 (cited by Illumina Laboratory Services, Illumina); PubMed 11161832 (cited by Illumina Laboratory Services, Illumina); PubMed 15277431 (cited by Illumina Laboratory Services, Illumina); PubMed 12955714 (cited by Illumina Laboratory Services, Illumina); PubMed 23429432 (cited by Illumina Laboratory Services, Illumina); PubMed 21446023 (cited by Personalized Diabetes Medicine Program, University of Maryland School of Medicine).